The following is an entry in ClinVar:

NM_206933.4(USH2A):c.1786del (p.Glu596fs)

Gene: USH2A (usherin; minus strand). Cytogenetic location: 1q41.
Variant type: Deletion.
Coding change: c.1786del on transcript NM_206933.4 (MANE Select); coding-DNA position 1786, one base deleted (G; older notation c.1786delG).
Protein change: p.Glu596fs; shifts the reading frame from glutamic acid 596.
Molecular consequence: frameshift variant.
Genome position (GRCh38, 1-based): chr1:216,292,229, C deleted on the plus strand (G on the coding strand, the reverse complement: USH2A is on the minus strand). VCF-style (leftmost placement, unchanged base first): chr1-216292228-TC-T. GRCh37 (hg19) VCF-style: chr1-216465570-TC-T.
Other names: c.1786del, p.Glu596fs (NM_007123.6); short protein forms E596fs.
Identifiers: ClinVar variation 2814135 (VCV002814135.3), dbSNP rs2528256417, ClinGen allele CA2739275657.

ClinVar aggregate classification (germline): Pathogenic (1 of 4 stars; one submission).

Submission:

Labcorp Genetics (formerly Invitae), Labcorp
Classification: Pathogenic. Last evaluated: 2022-11-14. Review status: criteria provided, single submitter. Criteria: Invitae Variant Classification Sherloc (09022015). Collection method: clinical testing. Allele origin: germline.
Comment: This sequence change creates a premature translational stop signal (p.Glu596Serfs*40) in the USH2A gene. It is expected to result in an absent or disrupted protein product. Loss-of-function variants in USH2A are known to be pathogenic (PMID: 10729113, 10909849, 20507924, 25649381). This variant is not present in population databases (gnomAD no frequency). This variant has not been reported in the literature in individuals affected with USH2A-related conditions. For these reasons, this variant has been classified as Pathogenic.

Literature cited by the submitters: PubMed 10729113; PubMed 10909849; PubMed 20507924; PubMed 25649381.